The following is an entry in ClinVar:

ClinVar aggregate classification (germline): Likely benign. Review status: criteria provided, multiple submitters, no conflicts (2 of 4 stars). 3 submissions from 3 submitters: Likely benign (3). Last evaluated 2026-01-15.

Conditions:
Glycogen storage disease, type VI (GSD6). Also called: Glycogen storage disease type 6; Hepatic glycogen phosphorylase deficiency; Glycogen storage disease type 6, due to phosphorylation; GSD VI; HERS DISEASE; PHOSPHORYLASE DEFICIENCY GLYCOGEN-STORAGE DISEASE OF LIVER. Identifiers: Orphanet 369, MedGen C0017925, MONDO:0009294, OMIM 232700.

Submissions (3):

Labcorp Genetics (formerly Invitae), Labcorp
Classification: Likely benign for Glycogen storage disease, type VI. Last evaluated: 2026-01-15. Review status: criteria provided, single submitter. Criteria: Invitae Variant Classification Sherloc (09022015). Collection method: clinical testing. Allele origin: germline.

Mayo Clinic Laboratories, Mayo Clinic
Classification: Likely benign. Last evaluated: 2024-06-20. Review status: criteria provided, single submitter. Criteria: ACMG Guidelines, 2015. Collection method: clinical testing. Allele origin: germline. Observed: 16 variant alleles.
Comment: BP4, BP7

Breakthrough Genomics
Classification: Likely benign. Review status: criteria provided, single submitter. Criteria: ACMG Guidelines, 2015. Collection method: not provided. Allele origin: germline. Inheritance: Autosomal recessive inheritance. Affected: yes.

NM_002863.5(PYGL):c.2178-10T>A

Gene: PYGL (glycogen phosphorylase L; minus strand). Cytogenetic location: 14q22.1.
Variant type: single nucleotide variant.
Coding change: c.2178-10T>A on transcript NM_002863.5 (MANE Select); 10 bases into the intron before coding-DNA position 2178, T replaced by A.
Molecular consequence: intron variant.
Genome position (GRCh38, 1-based): chr14:50,908,965, A>T on the plus strand (T>A on the coding strand, the complement: PYGL is on the minus strand). VCF-style: chr14-50908965-A-T. GRCh37 (hg19) VCF-style: chr14-51375683-A-T.
Other names: p.?; c.2076-10T>A (NM_001163940.2).
Identifiers: ClinVar variation 726506 (VCV000726506.9), dbSNP rs879201864, ClinGen allele CA260820870.